The following is an entry in ClinVar:

NM_000137.4(FAH):c.325del (p.Ser109fs)

Genes: FAH (fumarylacetoacetate hydrolase; plus strand), LOC112272621 (Sharpr-MPRA regulatory region 12283; plus strand). Cytogenetic location: 15q25.1.
Variant type: Deletion.
Coding change: c.325del on transcript NM_000137.4 (MANE Select); coding-DNA position 325, one base deleted (T; older notation c.325delT).
Protein change: p.Ser109fs; shifts the reading frame from serine 109.
Molecular consequence: frameshift variant.
Genome position (GRCh38, 1-based): chr15:80,160,420, T deleted. VCF-style (leftmost placement, unchanged base first): chr15-80160419-CT-C. GRCh37 (hg19) VCF-style: chr15-80452761-CT-C.
Other names: c.325del, p.Ser109fs (NM_001374377.1, NM_001374380.1); short protein forms S109fs.
Identifiers: ClinVar variation 2751526 (VCV002751526.3), dbSNP rs2505842582, ClinGen allele CA2697549248.

ClinVar aggregate classification (germline): Pathogenic (1 of 4 stars; one submission).

Conditions:
Tyrosinemia type I (TYRSN1). Also called: HEPATORENAL TYROSINEMIA; Tyrosinemia type 1; Fumarylacetoacetase deficiency; Deficiency of fumarylacetoacetase; FAH DEFICIENCY. Identifiers: Orphanet 882, MedGen C0268490, MONDO:0010161, OMIM 276700. Disease mechanism: loss of function.

Submission:

Labcorp Genetics (formerly Invitae), Labcorp
Classification: Pathogenic for Tyrosinemia type I. Last evaluated: 2023-08-10. Review status: criteria provided, single submitter. Criteria: Invitae Variant Classification Sherloc (09022015). Collection method: clinical testing. Allele origin: germline.
Comment: For these reasons, this variant has been classified as Pathogenic. This variant has not been reported in the literature in individuals affected with FAH-related conditions. This sequence change creates a premature translational stop signal (p.Ser109Profs*13) in the FAH gene. It is expected to result in an absent or disrupted protein product. Loss-of-function variants in FAH are known to be pathogenic (PMID: 9101289, 9633815). This variant is not present in population databases (gnomAD no frequency).

Literature cited by the submitters: PubMed 9101289; PubMed 9633815.